The following is an entry in ClinVar:

NM_032638.5(GATA2):c.428G>A (p.Gly143Glu)

Gene: GATA2 (GATA binding protein 2; minus strand). Cytogenetic location: 3q21.3.
Variant type: single nucleotide variant.
Coding change: c.428G>A on transcript NM_032638.5 (MANE Select); coding-DNA position 428, G replaced by A.
Protein change: p.Gly143Glu; replaces glycine 143 with glutamic acid.
Molecular consequence: missense variant.
Genome position (GRCh38, 1-based): chr3:128,486,170, C>T on the plus strand (G>A on the coding strand, the complement: GATA2 is on the minus strand). VCF-style: chr3-128486170-C-T. GRCh37 (hg19) VCF-style: chr3-128205013-C-T.
Other names: c.428G>A, p.Gly143Glu (NM_001145661.2, NM_001145662.1); short protein forms G143E.
Identifiers: ClinVar variation 3853012 (VCV003853012.1).

ClinVar aggregate classification (germline): Uncertain significance (1 of 4 stars; one submission).

Conditions:
Inborn genetic diseases. Identifiers: MedGen C0950123, MeSH D030342.

Submission:

Ambry Genetics
Classification: Uncertain significance for Inborn genetic diseases. Last evaluated: 2024-12-20. Review status: criteria provided, single submitter. Criteria: Ambry Variant Classification Scheme 2023. Collection method: clinical testing. Allele origin: germline.
Comment: The p.G143E variant (also known as c.428G>A), located in coding exon 2 of the GATA2 gene, results from a G to A substitution at nucleotide position 428. The glycine at codon 143 is replaced by glutamic acid, an amino acid with similar properties. This amino acid position is conserved. In addition, this alteration is predicted to be deleterious by in silico analysis. Based on the available evidence, the clinical significance of this variant remains unclear.